The following is an entry in ClinVar:

ClinVar aggregate classification (germline): Likely pathogenic (0 of 4 stars; one submission).

Conditions:
Lissencephaly. Also called: Lissencephaly spectrum disorders. Identifiers: Orphanet 48471, MedGen C0266463, MeSH D054082, MONDO:0018838, HP:0001339.

Submission:

MVZ Praenatalmedizin und Genetik Nuernberg
Classification: Likely pathogenic for Lissencephaly. Last evaluated: 2021-02-28. Review status: no assertion criteria provided. Collection method: clinical testing. Allele origin: de novo. Inheritance: Autosomal dominant inheritance. Affected: yes. Observed: 1 heterozygote.
Comment: This variant was not listed in the databases (ClinVar, LOVD). GnomAD shows no entry (very rare or private variant). Mulitple in silico analyses predict a pathogenic effect. Therefore this variant was rated likely pathogenic.

NM_006009.4(TUBA1A):c.806T>C (p.Leu269Pro)

Gene: TUBA1A (tubulin alpha 1a; minus strand). Cytogenetic location: 12q13.12.
Variant type: single nucleotide variant.
Coding change: c.806T>C on transcript NM_006009.4 (MANE Select); coding-DNA position 806, T replaced by C.
Protein change: p.Leu269Pro; replaces leucine 269 with proline.
Molecular consequence: missense variant.
Genome position (GRCh38, 1-based): chr12:49,185,560, A>G on the plus strand (T>C on the coding strand, the complement: TUBA1A is on the minus strand). VCF-style: chr12-49185560-A-G. GRCh37 (hg19) VCF-style: chr12-49579343-A-G.
Other names: c.806T>C, p.Leu269Pro (NM_001270399.2); c.701T>C, p.Leu234Pro (NM_001270400.2); short protein forms L234P, L269P.
Identifiers: ClinVar variation 1320024 (VCV001320024.2), dbSNP rs2121243526, ClinGen allele CA384639616.